The following is an entry in ClinVar:

NM_001283009.2(RTEL1):c.3630C>G (p.His1210Gln)

Genes: RTEL1 (regulator of telomere elongation helicase 1; plus strand), RTEL1-TNFRSF6B (RTEL1-TNFRSF6B readthrough (NMD candidate); plus strand). Cytogenetic location: 20q13.33.
Variant type: single nucleotide variant.
Coding change: c.3630C>G on transcript NM_001283009.2 (MANE Select); coding-DNA position 3630, C replaced by G.
Protein change: p.His1210Gln; replaces histidine 1210 with glutamine.
Molecular consequence: missense variant. On other transcripts: non-coding transcript variant (1).
Genome position (GRCh38, 1-based): chr20:63,695,458, C>G. VCF-style: chr20-63695458-C-G. GRCh37 (hg19) VCF-style: chr20-62326811-C-G.
Other names: c.2961C>G, p.His987Gln (NM_001283010.1); c.3630C>G, p.His1210Gln (NM_016434.4); c.3702C>G, p.His1234Gln (NM_032957.5); short protein forms H987Q, H1210Q, H1234Q.
Identifiers: ClinVar variation 3790966 (VCV003790966.1).

ClinVar aggregate classification (germline): Uncertain significance (1 of 4 stars; one submission).

Conditions:
Inborn genetic diseases. Identifiers: MedGen C0950123, MeSH D030342.

Submission:

Ambry Genetics
Classification: Uncertain significance for Inborn genetic diseases. Last evaluated: 2024-12-14. Review status: criteria provided, single submitter. Criteria: Ambry Variant Classification Scheme 2023. Collection method: clinical testing. Allele origin: germline.
Comment: The p.H1210Q variant (also known as c.3630C>G), located in coding exon 33 of the RTEL1 gene, results from a C to G substitution at nucleotide position 3630. The histidine at codon 1210 is replaced by glutamine, an amino acid with highly similar properties. This amino acid position is conserved. In addition, this alteration is predicted to be tolerated by in silico analysis. Based on the available evidence, the clinical significance of this variant remains unclear.